The following is an entry in ClinVar:

NM_177438.3(DICER1):c.2069C>A (p.Ala690Asp)

Gene: DICER1 (dicer 1, ribonuclease III; minus strand). Cytogenetic location: 14q32.13.
Variant type: single nucleotide variant.
Coding change: c.2069C>A on transcript NM_177438.3 (MANE Select); coding-DNA position 2069, C replaced by A.
Protein change: p.Ala690Asp; replaces alanine 690 with aspartic acid.
Molecular consequence: missense variant.
Genome position (GRCh38, 1-based): chr14:95,112,219, G>T on the plus strand (C>A on the coding strand, the complement: DICER1 is on the minus strand). VCF-style: chr14-95112219-G-T. GRCh37 (hg19) VCF-style: chr14-95578556-G-T.
Other names: c.2069C>A, p.Ala690Asp (NM_001195573.1, NM_001271282.3, NM_001291628.2 and 1 more transcripts); short protein forms A690D.
Identifiers: ClinVar variation 1327093 (VCV001327093.1), dbSNP rs2140077900, ClinGen allele CA390883090.
Genomic context (GRCh38, chr14:95,112,219, plus strand): 5'-CAAACATCCTTACCAATTTTGTGCAGTTTCTCACAGCAAATGAGAGCTACAACTCTTTCA[G>T]CCAATCGTACACAGCTCATTGGTGGACCCTGAAAATAACAAAAACCTTTCCATTATATAT-3'
Protein context (NP_803187.1, residues 680-700): VGPPMSCVRL[Ala690Asp]ERVVALICCE

ClinVar aggregate classification (germline): Uncertain significance (1 of 4 stars; one submission).

Conditions:
Rhabdomyosarcoma, embryonal, 2 (RMSE2). Identifiers: MedGen C1867234, MONDO:0859046, OMIM 180295.

Submission:

Baylor Genetics
Classification: Uncertain significance for Rhabdomyosarcoma, embryonal, 2. Last evaluated: 2021-02-09. Review status: criteria provided, single submitter. Criteria: ACMG Guidelines, 2015. Collection method: clinical testing. Allele origin: unknown. Affected: yes. Study: CSER-TexasKidsCanSeq.
Comment: This variant was determined to be of uncertain significance according to ACMG Guidelines, 2015 [PMID:25741868].